The following is an entry in ClinVar:

ClinVar aggregate classification (germline): Uncertain significance (1 of 4 stars; one submission).

Submission:

Labcorp Genetics (formerly Invitae), Labcorp
Classification: Uncertain significance. Last evaluated: 2024-06-26. Review status: criteria provided, single submitter. Criteria: Invitae Variant Classification Sherloc (09022015). Collection method: clinical testing. Allele origin: germline.
Comment: This sequence change replaces proline, which is neutral and non-polar, with serine, which is neutral and polar, at codon 1012 of the EYS protein (p.Pro1012Ser). This variant is not present in population databases (gnomAD no frequency). This variant has not been reported in the literature in individuals affected with EYS-related conditions. Algorithms developed to predict the effect of missense changes on protein structure and function output the following: SIFT: "Not Available"; PolyPhen-2: "Probably Damaging"; Align-GVGD: "Not Available". The serine amino acid residue is found in multiple mammalian species, which suggests that this missense change does not adversely affect protein function. In summary, the available evidence is currently insufficient to determine the role of this variant in disease. Therefore, it has been classified as a Variant of Uncertain Significance.

NM_001142800.2(EYS):c.3034C>T (p.Pro1012Ser)

Gene: EYS (EGF-like photoreceptor maintenance factor; minus strand). Cytogenetic location: 6q12.
Variant type: single nucleotide variant.
Coding change: c.3034C>T on transcript NM_001142800.2 (MANE Select); coding-DNA position 3034, C replaced by T.
Protein change: p.Pro1012Ser; replaces proline 1012 with serine.
Molecular consequence: missense variant.
Genome position (GRCh38, 1-based): chr6:64,822,781, G>A on the plus strand (C>T on the coding strand, the complement: EYS is on the minus strand). VCF-style: chr6-64822781-G-A. GRCh37 (hg19) VCF-style: chr6-65532674-G-A.
Other names: c.3034C>T, p.Pro1012Ser (NM_001292009.2); short protein forms P1012S.
Identifiers: ClinVar variation 3676736 (VCV003676736.2).